The following is an entry in ClinVar:

NC_000002.11:g.(?_61258534)_(62063264_?)dup

Genes: C2orf74 (chromosome 2 open reading frame 74; plus strand), FAM161A (FAM161 centrosomal protein A; minus strand), PEX13 (peroxisomal biogenesis factor 13; plus strand), SANBR (SANT and BTB domain regulator of CSR; plus strand), USP34 (ubiquitin specific peptidase 34; minus strand) and 1 more. Cytogenetic location: 2p16.1-15.
Variant type: Duplication.
Identifiers: ClinVar variation 1374173 (VCV001374173.4).

ClinVar aggregate classification (germline): Uncertain significance (1 of 4 stars; one submission).

Conditions:
Peroxisome biogenesis disorder 11A (Zellweger). Also called: Peroxisome biogenesis disorder 11A. Identifiers: Orphanet 912, MedGen C3554000, MONDO:0013949, OMIM 614883.

Submission:

Labcorp Genetics (formerly Invitae), Labcorp
Classification: Uncertain significance for Peroxisome biogenesis disorder 11A (Zellweger). Last evaluated: 2021-04-11. Review status: criteria provided, single submitter. Criteria: Invitae Variant Classification Sherloc (09022015). Collection method: clinical testing. Allele origin: germline.
Comment: In summary, the available evidence is currently insufficient to determine the role of this variant in disease. Therefore, it has been classified as a Variant of Uncertain Significance. Experimental studies and prediction algorithms are not available or were not evaluated, and the functional significance of this variant is currently unknown. This variant has not been reported in the literature in individuals with PEX13-related conditions. This variant results in a copy number gain of the genomic region encompassing exon(s) 2-4 of the PEX13 gene. The 5' boundary is likely confined to intron 1. The 3' end of this event is unknown as it extends beyond the assayed region for this gene and therefore may encompass additional genes. As the precise location of this event is unknown, it may be in tandem or it may be located elsewhere in the genome.